The following is an entry in ClinVar:

NM_002160.4(TNC):c.5758G>T (p.Val1920Phe)

Gene: TNC (tenascin C; minus strand). Cytogenetic location: 9q33.1.
Variant type: single nucleotide variant.
Coding change: c.5758G>T on transcript NM_002160.4 (MANE Select); coding-DNA position 5758, G replaced by T.
Protein change: p.Val1920Phe; replaces valine 1920 with phenylalanine.
Molecular consequence: missense variant.
Genome position (GRCh38, 1-based): chr9:115,035,233, C>A on the plus strand (G>T on the coding strand, the complement: TNC is on the minus strand). VCF-style: chr9-115035233-C-A. GRCh37 (hg19) VCF-style: chr9-117797512-C-A.
Other names: c.5212G>T, p.Val1738Phe (NM_001410991.1); short protein forms V1738F, V1920F.
Identifiers: ClinVar variation 2682303 (VCV002682303.1), dbSNP rs747230674, ClinGen allele CA5207543.

ClinVar aggregate classification (germline): Uncertain significance (1 of 4 stars; one submission).

Allele frequency attached by ClinVar (database versions not stated): ExAC 0.00001; gnomAD 0.00005.
gnomAD v4.1: 62 of 1,612,922 alleles (0.0038%); highest among the groups gnomAD compares: Non-Finnish European, 0.005%; no homozygotes.

Submission:

Women's Health and Genetics/Laboratory Corporation of America, LabCorp
Classification: Uncertain significance. Last evaluated: 2023-11-30. Review status: criteria provided, single submitter. Criteria: LabCorp Variant Classification Summary - May 2015. Collection method: clinical testing. Allele origin: germline.
Comment: Variant summary: TNC c.5758G>T (p.Val1920Phe) results in a non-conservative amino acid change located in the Fibronectin type III (IPR003961) of the encoded protein sequence. Three of five in-silico tools predict a benign effect of the variant on protein function. The variant allele was found at a frequency of 1.2e-05 in 250222 control chromosomes. The available data on variant occurrences in the general population are insufficient to allow any conclusion about variant significance. To our knowledge, no occurrence of c.5758G>T in individuals affected with Deafness, Autosomal Dominant 56 and no experimental evidence demonstrating its impact on protein function have been reported. No submitters have cited clinical-significance assessments for this variant to ClinVar after 2014. Based on the evidence outlined above, the variant was classified as uncertain significance.